The following is an entry in ClinVar:

NM_001001563.5(TIMM50):c.620G>T (p.Ser207Ile)

Gene: TIMM50 (translocase of inner mitochondrial membrane 50; plus strand). Cytogenetic location: 19q13.2.
Variant type: single nucleotide variant.
Coding change: c.620G>T on transcript NM_001001563.5 (MANE Select); coding-DNA position 620, G replaced by T.
Protein change: p.Ser207Ile; replaces serine 207 with isoleucine.
Molecular consequence: missense variant.
Genome position (GRCh38, 1-based): chr19:39,486,419, G>T. VCF-style: chr19-39486419-G-T. GRCh37 (hg19) VCF-style: chr19-39977059-G-T.
Other names: c.281G>T, p.Ser94Ile (NM_001329559.2); short protein forms S94I, S207I.
Identifiers: ClinVar variation 1028411 (VCV001028411.1), dbSNP rs2079507347, ClinGen allele CA405787856.

ClinVar aggregate classification (germline): Uncertain significance (1 of 4 stars; one submission).

Conditions:
3-methylglutaconic aciduria type 9. Also called: 3-METHYLGLUTACONIC ACIDURIA, TYPE IX. Identifiers: Orphanet 505216, MedGen C4540171, MONDO:0044724, OMIM 617698.

Submission:

Baylor Genetics
Classification: Uncertain significance for 3-methylglutaconic aciduria type 9. Last evaluated: 2019-11-12. Review status: criteria provided, single submitter. Criteria: ACMG Guidelines, 2015. Collection method: clinical testing. Allele origin: unknown. Affected: yes.
Comment: This variant was determined to be of uncertain significance according to ACMG Guidelines, 2015 [PMID:25741868].